The following is an entry in ClinVar:

NM_005045.4(RELN):c.827G>C (p.Ser276Thr)

Gene: RELN (reelin; minus strand). Cytogenetic location: 7q22.1.
Variant type: single nucleotide variant.
Coding change: c.827G>C on transcript NM_005045.4 (MANE Select); coding-DNA position 827, G replaced by C.
Protein change: p.Ser276Thr; replaces serine 276 with threonine.
Molecular consequence: missense variant.
Genome position (GRCh38, 1-based): chr7:103,700,985, C>G on the plus strand (G>C on the coding strand, the complement: RELN is on the minus strand). VCF-style: chr7-103700985-C-G. GRCh37 (hg19) VCF-style: chr7-103341432-C-G.
Other names: c.827G>C, p.Ser276Thr (NM_173054.3); short protein forms S276T.
Identifiers: ClinVar variation 2008712 (VCV002008712.4), dbSNP rs1442755410, ClinGen allele CA368928156.

ClinVar aggregate classification (germline): Uncertain significance (1 of 4 stars; one submission).

Conditions:
Norman-Roberts syndrome (LIS2). Also called: Lissencephaly 2 (Norman-Roberts type). Identifiers: Orphanet 89844, MedGen C0796089, MONDO:0009760, OMIM 257320.
Familial temporal lobe epilepsy 7. Identifiers: Orphanet 101046, MedGen C4225327, MONDO:0014639, OMIM 616436.

Submission:

Labcorp Genetics (formerly Invitae), Labcorp
Classification: Uncertain significance for Familial temporal lobe epilepsy 7; Norman-Roberts syndrome. Last evaluated: 2022-06-20. Review status: criteria provided, single submitter. Criteria: Invitae Variant Classification Sherloc (09022015). Collection method: clinical testing. Allele origin: germline.
Comment: This sequence change replaces serine, which is neutral and polar, with threonine, which is neutral and polar, at codon 276 of the RELN protein (p.Ser276Thr). In summary, the available evidence is currently insufficient to determine the role of this variant in disease. Therefore, it has been classified as a Variant of Uncertain Significance. Algorithms developed to predict the effect of missense changes on protein structure and function are either unavailable or do not agree on the potential impact of this missense change (SIFT: "Deleterious"; PolyPhen-2: "Benign"; Align-GVGD: "Class C0"). This variant has not been reported in the literature in individuals affected with RELN-related conditions. This variant is present in population databases (no rsID available, gnomAD 0.0009%).